The following is an entry in ClinVar:

ClinVar aggregate classification (germline): Benign (0 of 4 stars; one submission).

Conditions:
MUC16-related disorder. Also called: MUC16-related condition.

Allele frequency attached by ClinVar (database versions not stated): ExAC 0.00116; 1000 Genomes Project 0.00419; gnomAD 0.00430; 1000 Genomes Project 30x 0.00453; ESP Exome Variant Server 0.00458; TOPMed 0.00470.

Submission:

PreventionGenetics, part of Exact Sciences
Classification: Benign for MUC16-related condition. Last evaluated: 2019-10-28. Review status: no assertion criteria provided. Collection method: clinical testing. Allele origin: germline.
Comment: This variant is classified as benign based on ACMG/AMP sequence variant interpretation guidelines (Richards et al. 2015 PMID: 25741868, with internal and published modifications).

NM_001401501.2(MUC16):c.2055C>T (p.Asn685=)

Gene: MUC16 (mucin 16, cell surface associated; minus strand). Cytogenetic location: 19p13.2.
Variant type: single nucleotide variant.
Coding change: c.2055C>T on transcript NM_001401501.2 (MANE Select); coding-DNA position 2055, C replaced by T.
Protein change: p.Asn685=; no amino-acid change (asparagine 685 retained).
Molecular consequence: synonymous variant.
Genome position (GRCh38, 1-based): chr19:8,979,204, G>A on the plus strand (C>T on the coding strand, the complement: MUC16 is on the minus strand). VCF-style: chr19-8979204-G-A. GRCh37 (hg19) VCF-style: chr19-9089880-G-A.
Other names: c.2481C>T, p.Asn827= (NM_001414686.1); c.1935C>T, p.Asn645= (NM_001414687.1, NM_024690.2).
Identifiers: ClinVar variation 3033636 (VCV003033636.2), dbSNP rs113020170, ClinGen allele CA9173293.